The following is an entry in ClinVar:

ClinVar aggregate classification (germline): Uncertain significance. Review status: criteria provided, multiple submitters, no conflicts (2 of 4 stars). 2 submissions from 2 submitters: Uncertain significance (2). Last evaluated 2025-05-17.

Conditions:
Cardiovascular phenotype. Identifiers: MedGen CN230736.

Allele frequency attached by ClinVar (database versions not stated): TOPMed 0.00001; ExAC 0.00003; gnomAD 0.00003; 1000 Genomes Project 0.00020; 1000 Genomes Project 30x 0.00047.
gnomAD v4.1: 31 of 1,614,032 alleles (0.0019%); highest among the groups gnomAD compares: South Asian, 0.021%; no homozygotes.

Submissions (2):

Ambry Genetics
Classification: Uncertain significance for Cardiovascular phenotype. Last evaluated: 2025-05-17. Review status: criteria provided, single submitter. Criteria: Ambry Variant Classification Scheme 2023. Collection method: clinical testing. Allele origin: germline.
Comment: The p.A1648T variant (also known as c.4942G>A), located in coding exon 27 of the SCN10A gene, results from a G to A substitution at nucleotide position 4942. The alanine at codon 1648 is replaced by threonine, an amino acid with similar properties. This amino acid position is not well conserved in available vertebrate species. In addition, the in silico prediction for this alteration is inconclusive. The evidence for this gene-disease relationship is limited; therefore, the clinical significance of this alteration is unclear.

GeneDx
Classification: Uncertain significance. Last evaluated: 2024-01-30. Review status: criteria provided, single submitter. Criteria: GeneDx Variant Classification Process June 2021. Collection method: clinical testing. Allele origin: germline. Affected: yes.
Comment: Has not been previously published as pathogenic or benign to our knowledge; In silico analysis supports that this missense variant has a deleterious effect on protein structure/function

NM_006514.4(SCN10A):c.4942G>A (p.Ala1648Thr)

Gene: SCN10A (sodium voltage-gated channel alpha subunit 10; minus strand). Cytogenetic location: 3p22.2.
Variant type: single nucleotide variant.
Coding change: c.4942G>A on transcript NM_006514.4 (MANE Select); coding-DNA position 4942, G replaced by A.
Protein change: p.Ala1648Thr; replaces alanine 1648 with threonine.
Molecular consequence: missense variant.
Genome position (GRCh38, 1-based): chr3:38,698,278, C>T on the plus strand (G>A on the coding strand, the complement: SCN10A is on the minus strand). VCF-style: chr3-38698278-C-T. GRCh37 (hg19) VCF-style: chr3-38739769-C-T.
Other names: c.4939G>A, p.Ala1647Thr (NM_001293306.2); c.4648G>A, p.Ala1550Thr (NM_001293307.2); short protein forms A1647T, A1550T, A1648T.
Identifiers: ClinVar variation 2563715 (VCV002563715.4), dbSNP rs529861077, ClinGen allele CA2319775.